The following is an entry in ClinVar:

NM_000478.6(ALPL):c.880del (p.Asp294fs)

Gene: ALPL (alkaline phosphatase, biomineralization associated; plus strand). Cytogenetic location: 1p36.12.
Variant type: Deletion.
Coding change: c.880del on transcript NM_000478.6 (MANE Select); coding-DNA position 880, one base deleted (G; older notation c.880delG).
Protein change: p.Asp294fs; shifts the reading frame from aspartic acid 294.
Molecular consequence: frameshift variant.
Genome position (GRCh38, 1-based): chr1:21,573,682, G deleted; the last of 4 consecutive G bases (chr1:21,573,679-21,573,682); deleting any one gives the same sequence. VCF-style (leftmost placement, unchanged base first): chr1-21573678-AG-A. GRCh37 (hg19) VCF-style: chr1-21900171-AG-A.
Other names: c.715del, p.Asp239fs (NM_001127501.4); c.649del, p.Asp217fs (NM_001177520.3); c.880del, p.Asp294fs (NM_001369803.2, NM_001369804.2, NM_001369805.2); short protein forms D217fs, D294fs, D239fs.
Identifiers: ClinVar variation 2023178 (VCV002023178.4), dbSNP rs2545334482, ClinGen allele CA2574252925.

ClinVar aggregate classification (germline): Pathogenic (1 of 4 stars; one submission).

Submission:

Labcorp Genetics (formerly Invitae), Labcorp
Classification: Pathogenic. Last evaluated: 2022-08-09. Review status: criteria provided, single submitter. Criteria: Invitae Variant Classification Sherloc (09022015). Collection method: clinical testing. Allele origin: germline.
Comment: For these reasons, this variant has been classified as Pathogenic. This variant has not been reported in the literature in individuals affected with ALPL-related conditions. This variant is not present in population databases (gnomAD no frequency). This sequence change creates a premature translational stop signal (p.Asp294Thrfs*6) in the ALPL gene. It is expected to result in an absent or disrupted protein product. Loss-of-function variants in ALPL are known to be pathogenic (PMID: 3174660, 10679946, 19500388).

Literature cited by the submitters: PubMed 3174660; PubMed 10679946; PubMed 19500388.